The following is an entry in ClinVar:

NM_052947.4(ALPK2):c.2290G>A (p.Ala764Thr)

Gene: ALPK2 (alpha kinase 2; minus strand). Cytogenetic location: 18q21.31.
Variant type: single nucleotide variant.
Coding change: c.2290G>A on transcript NM_052947.4 (MANE Select); coding-DNA position 2290, G replaced by A.
Protein change: p.Ala764Thr; replaces alanine 764 with threonine.
Molecular consequence: missense variant.
Genome position (GRCh38, 1-based): chr18:58,537,897, C>T on the plus strand (G>A on the coding strand, the complement: ALPK2 is on the minus strand). VCF-style: chr18-58537897-C-T. GRCh37 (hg19) VCF-style: chr18-56205129-C-T.
Other names: short protein forms A764T.
Identifiers: ClinVar variation 2561788 (VCV002561788.2), dbSNP rs2518877878, ClinGen allele CA402571079.

ClinVar aggregate classification (germline): Uncertain significance (1 of 4 stars; one submission).

Submission:

Ambry Genetics
Classification: Uncertain significance. Last evaluated: 2023-03-17. Review status: criteria provided, single submitter. Criteria: Ambry Variant Classification Scheme 2023. Collection method: clinical testing. Allele origin: germline.
Comment: The p.A764T variant (also known as c.2290G>A), located in coding exon 4 of the ALPK2 gene, results from a G to A substitution at nucleotide position 2290. The alanine at codon 764 is replaced by threonine, an amino acid with similar properties. This amino acid position is conserved. In addition, this alteration is predicted to be tolerated by in silico analysis. Since supporting evidence is limited at this time, the clinical significance of this alteration remains unclear.